The following is an entry in ClinVar:

ClinVar aggregate classification (germline): Uncertain significance (1 of 4 stars; one submission).

Conditions:
Regional enteritis. Also called: Enteritis, Granulomatous. Identifiers: MedGen C0678202, MeSH D003424.
Blau syndrome (BLAUS). Also called: ARTHROCUTANEOUVEAL GRANULOMATOSIS; GRANULOMATOSIS, FAMILIAL JUVENILE SYSTEMIC; GRANULOMATOSIS, FAMILIAL, BLAU TYPE; GRANULOMATOUS INFLAMMATORY ARTHRITIS, DERMATITIS, AND UVEITIS, FAMILIAL; JABS SYNDROME. Identifiers: Orphanet 90340, MedGen C5201146, MONDO:0008523, OMIM 186580.

Allele frequency attached by ClinVar (database versions not stated): gnomAD 0.00001; gnomAD exomes 0.00001; TOPMed 0.00002; ExAC 0.00003; ESP Exome Variant Server 0.00008.
gnomAD v4.1: 9 of 1,613,268 alleles (0.00056%); highest among the groups gnomAD compares: Non-Finnish European, 0.00076%; no homozygotes.

Submission:

Labcorp Genetics (formerly Invitae), Labcorp
Classification: Uncertain significance for Regional enteritis; Blau syndrome. Last evaluated: 2023-05-27. Review status: criteria provided, single submitter. Criteria: Invitae Variant Classification Sherloc (09022015). Collection method: clinical testing. Allele origin: germline.
Comment: In summary, the available evidence is currently insufficient to determine the role of this variant in disease. Therefore, it has been classified as a Variant of Uncertain Significance. This variant has not been reported in the literature in individuals affected with NOD2-related conditions. This variant is present in population databases (rs147417132, gnomAD 0.004%). This sequence change creates a premature translational stop signal (p.Gln533*) in the NOD2 gene. It is expected to result in an absent or disrupted protein product. However, the current clinical and genetic evidence is not sufficient to establish whether loss-of-function variants in NOD2 cause disease.

NM_001370466.1(NOD2):c.1516C>T (p.Gln506Ter)

Gene: NOD2 (nucleotide binding oligomerization domain containing 2; plus strand). Cytogenetic location: 16q12.1.
Variant type: single nucleotide variant.
Coding change: c.1516C>T on transcript NM_001370466.1 (MANE Select); coding-DNA position 1516, C replaced by T.
Protein change: p.Gln506Ter; replaces glutamine 506 with a stop codon.
Molecular consequence: nonsense. On other transcripts: non-coding transcript variant (1).
Genome position (GRCh38, 1-based): chr16:50,711,508, C>T. VCF-style: chr16-50711508-C-T. GRCh37 (hg19) VCF-style: chr16-50745419-C-T.
Other names: c.1516C>T, p.Gln506Ter (NM_001293557.2); c.1597C>T, p.Gln533Ter (NM_022162.3); short protein forms Q506*, Q533*.
Identifiers: ClinVar variation 2933577 (VCV002933577.3), dbSNP rs147417132, ClinGen allele CA8051587.